The following is an entry in ClinVar:

ClinVar aggregate classification (germline): Uncertain significance (1 of 4 stars; one submission).

Conditions:
Inborn genetic diseases. Identifiers: MedGen C0950123, MeSH D030342.

Allele frequency attached by ClinVar (database versions not stated): gnomAD exomes below 0.00001; ExAC 0.00001.

Submission:

Ambry Genetics
Classification: Uncertain significance for Inborn genetic diseases. Last evaluated: 2020-03-22. Review status: criteria provided, single submitter. Criteria: Ambry Variant Classification Scheme 2023. Collection method: clinical testing. Allele origin: germline.
Comment: The p.L383V variant (also known as c.1147C>G), located in coding exon 4 of the SLC52A2 gene, results from a C to G substitution at nucleotide position 1147. The leucine at codon 383 is replaced by valine, an amino acid with highly similar properties. This amino acid position is not well conserved in available vertebrate species. In addition, this alteration is predicted to be tolerated by in silico analysis. Since supporting evidence is limited at this time, the clinical significance of this alteration remains unclear.

NM_001363118.2(SLC52A2):c.1147C>G (p.Leu383Val)

Gene: SLC52A2 (solute carrier family 52 member 2; plus strand). Cytogenetic location: 8q24.3.
Variant type: single nucleotide variant.
Coding change: c.1147C>G on transcript NM_001363118.2 (MANE Select); coding-DNA position 1147, C replaced by G.
Protein change: p.Leu383Val; replaces leucine 383 with valine.
Molecular consequence: missense variant. On other transcripts: non-coding transcript variant (1).
Genome position (GRCh38, 1-based): chr8:144,360,824, C>G. VCF-style: chr8-144360824-C-G. GRCh37 (hg19) VCF-style: chr8-145584484-C-G.
Other names: c.1147C>G, p.Leu383Val (NM_001253815.2, NM_001253816.2, NM_001363120.2 and 2 more transcripts); c.655C>G, p.Leu219Val (NM_001363122.2); c.883C>G, p.Leu295Val (NM_001410949.1); short protein forms L295V, L219V, L383V.
Identifiers: ClinVar variation 1732848 (VCV001732848.2), dbSNP rs782461114, ClinGen allele CA4938415.